The following is an entry in ClinVar:

ClinVar aggregate classification (germline): Uncertain significance (1 of 4 stars; one submission).

Conditions:
NIK deficiency. Also called: Primary immunodeficiency with multifaceted aberrant lymphoid immunity. Identifiers: Orphanet 447731, MedGen C5680065, MONDO:0018642.

Allele frequency attached by ClinVar (database versions not stated): ExAC 0.00002.
gnomAD v4.1: 34 of 1,612,630 alleles (0.0021%); highest among the groups gnomAD compares: South Asian, 0.0044%; no homozygotes.

Submission:

Labcorp Genetics (formerly Invitae), Labcorp
Classification: Uncertain significance for NIK deficiency. Last evaluated: 2025-03-31. Review status: criteria provided, single submitter. Criteria: Invitae Variant Classification Sherloc (09022015). Collection method: clinical testing. Allele origin: germline.
Comment: This sequence change replaces arginine, which is basic and polar, with glutamine, which is neutral and polar, at codon 850 of the MAP3K14 protein (p.Arg850Gln). This variant is present in population databases (rs779472760, gnomAD 0.003%). This variant has not been reported in the literature in individuals affected with MAP3K14-related conditions. ClinVar contains an entry for this variant (Variation ID: 2041022). Experimental studies and prediction algorithms are not available or were not evaluated, and the functional significance of this variant is currently unknown. In summary, the available evidence is currently insufficient to determine the role of this variant in disease. Therefore, it has been classified as a Variant of Uncertain Significance.

NM_003954.5(MAP3K14):c.2549G>A (p.Arg850Gln)

Genes: MAP3K14 (mitogen-activated protein kinase kinase kinase 14; minus strand), MAP3K14-AS1 (MAP3K14 antisense RNA 1; plus strand). Cytogenetic location: 17q21.31.
Variant type: single nucleotide variant.
Coding change: c.2549G>A on transcript NM_003954.5 (MANE Select); coding-DNA position 2549, G replaced by A.
Protein change: p.Arg850Gln; replaces arginine 850 with glutamine.
Molecular consequence: missense variant.
Genome position (GRCh38, 1-based): chr17:45,266,566, C>T on the plus strand (G>A on the coding strand, the complement: MAP3K14 is on the minus strand). VCF-style: chr17-45266566-C-T. GRCh37 (hg19) VCF-style: chr17-43343933-C-T.
Other names: short protein forms R850Q.
Identifiers: ClinVar variation 2041022 (VCV002041022.2), dbSNP rs779472760, ClinGen allele CA8613850.